The following is an entry in ClinVar:

NM_001267550.2(TTN):c.105383C>G (p.Ala35128Gly)

Genes: TTN-AS1 (TTN antisense RNA 1; plus strand), TTN (titin; minus strand). Cytogenetic location: 2q31.2.
Variant type: single nucleotide variant.
Coding change: c.105383C>G on transcript NM_001267550.2 (MANE Select); coding-DNA position 105383, C replaced by G.
Protein change: p.Ala35128Gly; replaces alanine 35128 with glycine.
Molecular consequence: missense variant.
Genome position (GRCh38, 1-based): chr2:178,531,232, G>C on the plus strand (C>G on the coding strand, the complement: TTN is on the minus strand). VCF-style: chr2-178531232-G-C. GRCh37 (hg19) VCF-style: chr2-179395959-G-C.
Other names: c.100460C>G, p.Ala33487Gly (NM_001256850.1); c.78188C>G, p.Ala26063Gly (NM_003319.4); c.97679C>G, p.Ala32560Gly (NM_133378.4); c.78563C>G, p.Ala26188Gly (NM_133432.3); c.78764C>G, p.Ala26255Gly (NM_133437.4); short protein forms A26063G, A26188G, A26255G, A32560G, A33487G, A35128G.
Identifiers: ClinVar variation 3750710 (VCV003750710.2).
Genomic context (GRCh38, chr2:178,531,232, plus strand): 5'-AACCTTGCAGACTCGCCCTCGTAGACGGTCATGGACCGTGGCTTTGTTAGAATTCTTGCT[G>C]CCAAAGTCGTCTTGATCTTTCTGGTTGTGGATTTTTCTTCCAGTGACTTTTCTTCTAATG-3'
Protein context (NP_001254479.2, residues 35118-35138): STTRKIKTTL[Ala35128Gly]ARILTKPRSM

ClinVar aggregate classification (germline): Uncertain significance (1 of 4 stars; one submission).

Conditions:
Autosomal recessive limb-girdle muscular dystrophy type 2J (LGMDR10). Also called: Limb-girdle muscular dystrophy, type 2J; MUSCULAR DYSTROPHY, LIMB-GIRDLE, AUTOSOMAL RECESSIVE 10. Identifiers: Orphanet 140922, MedGen C1837342, MONDO:0012127, OMIM 608807.
Dilated cardiomyopathy 1G (CMD1G). Identifiers: Orphanet 154, MedGen C1858763, MONDO:0011400, OMIM 604145.

gnomAD v4.1: 2 of 1,613,924 alleles (0.00012%); highest among the groups gnomAD compares: African/African-American, 0.0027%; no homozygotes.

Submission:

Labcorp Genetics (formerly Invitae), Labcorp
Classification: Uncertain significance for Dilated cardiomyopathy 1G; Autosomal recessive limb-girdle muscular dystrophy type 2J. Last evaluated: 2024-12-20. Review status: criteria provided, single submitter. Criteria: Invitae Variant Classification Sherloc (09022015). Collection method: clinical testing. Allele origin: germline.
Comment: This sequence change replaces alanine, which is neutral and non-polar, with glycine, which is neutral and non-polar, at codon 35128 of the TTN protein (p.Ala35128Gly). This variant is present in population databases (no rsID available, gnomAD 0.007%). This variant has not been reported in the literature in individuals affected with TTN-related conditions. An algorithm developed to predict the effect of missense changes on protein structure and function outputs the following: PolyPhen-2: "Not Available". The glycine amino acid residue is found in multiple mammalian species, which suggests that this missense change does not adversely affect protein function. This variant is located in the M band of TTN (PMID: 25589632). Non-truncating variants in this region may be relevant for neuromuscular disorders, but have not been definitively shown to cause cardiomyopathy (PMID: 23975875). In summary, the available evidence is currently insufficient to determine the role of this variant in disease. Therefore, it has been classified as a Variant of Uncertain Significance.

Literature cited by the submitters: PubMed 25589632; PubMed 23975875.